The following is an entry in ClinVar:

NM_001267550.2(TTN):c.21641A>G (p.Asn7214Ser)

Gene: TTN (titin; minus strand). Cytogenetic location: 2q31.2.
Variant type: single nucleotide variant.
Coding change: c.21641A>G on transcript NM_001267550.2 (MANE Select); coding-DNA position 21641, A replaced by G.
Protein change: p.Asn7214Ser; replaces asparagine 7214 with serine.
Molecular consequence: missense variant. On other transcripts: intron variant (3).
Genome position (GRCh38, 1-based): chr2:178,723,459, T>C on the plus strand (A>G on the coding strand, the complement: TTN is on the minus strand). VCF-style: chr2-178723459-T-C. GRCh37 (hg19) VCF-style: chr2-179588186-T-C.
Other names: c.20690A>G, p.Asn6897Ser (NM_001256850.1); c.17909A>G, p.Asn5970Ser (NM_133378.4); c.13282+14623A>G (NM_003319.4); c.13858+14623A>G (NM_133437.4); c.13657+14623A>G (NM_133432.3); short protein forms N7214S, N5970S, N6897S.
Identifiers: ClinVar variation 466895 (VCV000466895.6), dbSNP rs755600935, ClinGen allele CA2000994.

ClinVar aggregate classification (germline): Uncertain significance (1 of 4 stars; one submission).

Conditions:
Autosomal recessive limb-girdle muscular dystrophy type 2J (LGMDR10). Also called: Limb-girdle muscular dystrophy, type 2J; MUSCULAR DYSTROPHY, LIMB-GIRDLE, AUTOSOMAL RECESSIVE 10. Identifiers: Orphanet 140922, MedGen C1837342, MONDO:0012127, OMIM 608807.
Dilated cardiomyopathy 1G (CMD1G). Identifiers: Orphanet 154, MedGen C1858763, MONDO:0011400, OMIM 604145.

Allele frequency attached by ClinVar (database versions not stated): gnomAD exomes below 0.00001; TOPMed below 0.00001; ExAC 0.00001.

Submission:

Labcorp Genetics (formerly Invitae), Labcorp
Classification: Uncertain significance for Dilated cardiomyopathy 1G; Autosomal recessive limb-girdle muscular dystrophy type 2J. Last evaluated: 2024-08-13. Review status: criteria provided, single submitter. Criteria: Invitae Variant Classification Sherloc (09022015). Collection method: clinical testing. Allele origin: germline.
Comment: This sequence change replaces asparagine, which is neutral and polar, with serine, which is neutral and polar, at codon 7214 of the TTN protein (p.Asn7214Ser). This variant is present in population databases (rs755600935, gnomAD 0.007%). This variant has not been reported in the literature in individuals affected with TTN-related conditions. ClinVar contains an entry for this variant (Variation ID: 466895). An algorithm developed to predict the effect of missense changes on protein structure and function outputs the following: PolyPhen-2: "Not Available". The serine amino acid residue is found in multiple mammalian species, which suggests that this missense change does not adversely affect protein function. This variant is located in the I band of TTN (PMID: 25589632). Non-truncating variants in this region may be clinically relevant, but have not been definitively shown to cause cardiomyopathy or neuromuscular disease (PMID: 27493940, 32778822). In summary, the available evidence is currently insufficient to determine the role of this variant in disease. Therefore, it has been classified as a Variant of Uncertain Significance.

Literature cited by the submitters: PubMed 25589632; PubMed 27493940; PubMed 32778822.